The following is an entry in ClinVar:

NM_000553.6(WRN):c.2443A>G (p.Ile815Val)

Gene: WRN (WRN RecQ like helicase; plus strand). Cytogenetic location: 8p12.
Variant type: single nucleotide variant.
Coding change: c.2443A>G on transcript NM_000553.6 (MANE Select); coding-DNA position 2443, A replaced by G.
Protein change: p.Ile815Val; replaces isoleucine 815 with valine.
Molecular consequence: missense variant.
Genome position (GRCh38, 1-based): chr8:31,116,523, A>G. VCF-style: chr8-31116523-A-G. GRCh37 (hg19) VCF-style: chr8-30974039-A-G.
Other names: short protein forms I815V.
Identifiers: ClinVar variation 528153 (VCV000528153.8), dbSNP rs974712158, ClinGen allele CA174880263.

ClinVar aggregate classification (germline): Uncertain significance. Review status: criteria provided, multiple submitters, no conflicts (2 of 4 stars). 2 submissions from 2 submitters: Uncertain significance (2). Last evaluated 2025-11-20.

Conditions:
Werner syndrome (WRN). Identifiers: Orphanet 902, MedGen C0043119, MONDO:0010196, OMIM 277700.
WRN-related disorder. Also called: WRN-related condition.

Allele frequency attached by ClinVar (database versions not stated): gnomAD exomes 0.00001 and 0.00003; TOPMed 0.00001.
gnomAD v4.1: 39 of 1,613,804 alleles (0.0024%); highest among the groups gnomAD compares: Non-Finnish European, 0.0033%; no homozygotes.

Submissions (2):

Labcorp Genetics (formerly Invitae), Labcorp
Classification: Uncertain significance for Werner syndrome. Last evaluated: 2025-11-20. Review status: criteria provided, single submitter. Criteria: Invitae Variant Classification Sherloc (09022015). Collection method: clinical testing. Allele origin: germline.
Comment: This sequence change replaces isoleucine, which is neutral and non-polar, with valine, which is neutral and non-polar, at codon 815 of the WRN protein (p.Ile815Val). This variant is not present in population databases (gnomAD no frequency). This variant has not been reported in the literature in individuals affected with WRN-related conditions. ClinVar contains an entry for this variant (Variation ID: 528153). An algorithm developed to predict the effect of missense changes on protein structure and function (PolyPhen-2) suggests that this variant is likely to be disruptive. In summary, the available evidence is currently insufficient to determine the role of this variant in disease. Therefore, it has been classified as a Variant of Uncertain Significance.

PreventionGenetics, part of Exact Sciences
Classification: Uncertain significance for WRN-related condition. Last evaluated: 2022-11-11. Review status: criteria provided, single submitter. Criteria: ACMG Guidelines, 2015. Collection method: clinical testing. Allele origin: germline.
Comment: The WRN c.2443A>G variant is predicted to result in the amino acid substitution p.Ile815Val. To our knowledge, this variant has not been reported in the literature. This variant is reported in 0.0062% of alleles in individuals of African descent in gnomAD. At this time, the clinical significance of this variant is uncertain due to the absence of conclusive functional and genetic evidence.